The following is an entry in ClinVar:

ClinVar aggregate classification (germline): Conflicting classifications of pathogenicity. Review status: criteria provided, conflicting classifications (1 of 4 stars). 2 submissions from 2 submitters: Uncertain significance (1); Likely benign (1). Last evaluated 2025-02-04.

Conditions:
Hereditary cancer-predisposing syndrome. Also called: Hereditary neoplastic syndrome; Neoplastic Syndromes, Hereditary; Tumor predisposition; Hereditary Cancer Syndrome. Identifiers: Orphanet 140162, MedGen C0027672, MeSH D009386, MONDO:0015356.
Retinoblastoma (RB1). Also called: RETINOBLASTOMA, SOMATIC. Identifiers: Orphanet 790, MedGen C0035335, MeSH D012175, MONDO:0008380, OMIM 180200, HP:0009919. Disease mechanism: loss of function. Inheritance: Both sporadic and heritable forms are tested..

Submissions (2):

Ambry Genetics
Classification: Likely benign for Hereditary cancer-predisposing syndrome. Last evaluated: 2025-02-04. Review status: criteria provided, single submitter. Criteria: Ambry Variant Classification Scheme 2023. Collection method: clinical testing. Allele origin: germline.

Labcorp Genetics (formerly Invitae), Labcorp
Classification: Uncertain significance for Retinoblastoma. Last evaluated: 2024-12-26. Review status: criteria provided, single submitter. Criteria: Invitae Variant Classification Sherloc (09022015). Collection method: clinical testing. Allele origin: germline.
Comment: This sequence change replaces leucine, which is neutral and non-polar, with phenylalanine, which is neutral and non-polar, at codon 362 of the RB1 protein (p.Leu362Phe). This variant is not present in population databases (gnomAD no frequency). This variant has not been reported in the literature in individuals affected with RB1-related conditions. ClinVar contains an entry for this variant (Variation ID: 1035402). Invitae Evidence Modeling of protein sequence and biophysical properties (such as structural, functional, and spatial information, amino acid conservation, physicochemical variation, residue mobility, and thermodynamic stability) indicates that this missense variant is not expected to disrupt RB1 protein function with a negative predictive value of 80%. In summary, the available evidence is currently insufficient to determine the role of this variant in disease. Therefore, it has been classified as a Variant of Uncertain Significance.

NM_000321.3(RB1):c.1084C>T (p.Leu362Phe)

Gene: RB1 (RB transcriptional corepressor 1; plus strand). Cytogenetic location: 13q14.2.
Variant type: single nucleotide variant.
Coding change: c.1084C>T on transcript NM_000321.3 (MANE Select); coding-DNA position 1084, C replaced by T.
Protein change: p.Leu362Phe; replaces leucine 362 with phenylalanine.
Molecular consequence: missense variant.
Genome position (GRCh38, 1-based): chr13:48,368,561, C>T. VCF-style: chr13-48368561-C-T. GRCh37 (hg19) VCF-style: chr13-48942697-C-T.
Other names: c.1084C>T (NM_000321.2); short protein forms L362F.
Identifiers: ClinVar variation 1035402 (VCV001035402.11), dbSNP rs1952727001, ClinGen allele CA388161207.